The following is an entry in ClinVar:

NM_004415.4(DSP):c.4322C>G (p.Ser1441Cys)

Gene: DSP (desmoplakin; plus strand). Cytogenetic location: 6p24.3.
Variant type: single nucleotide variant.
Coding change: c.4322C>G on transcript NM_004415.4 (MANE Select); coding-DNA position 4322, C replaced by G.
Protein change: p.Ser1441Cys; replaces serine 1441 with cysteine.
Molecular consequence: missense variant. On other transcripts: intron variant (2).
Genome position (GRCh38, 1-based): chr6:7,580,512, C>G. VCF-style: chr6-7580512-C-G. GRCh37 (hg19) VCF-style: chr6-7580745-C-G.
Other names: c.4050+272C>G (NM_001319034.2); c.3582+740C>G (NM_001008844.3); short protein forms S1441C.
Identifiers: ClinVar variation 2775307 (VCV002775307.2), dbSNP rs924715751, ClinGen allele CA133969583.

ClinVar aggregate classification (germline): Uncertain significance (1 of 4 stars; one submission).

Conditions:
Cardiomyopathy (CMYO). Also called: Cardiomyopathies. Identifiers: Orphanet 167848, MedGen C0878544, MONDO:0004994, HP:0001638. Inheritance: Various modes of inheritance.

gnomAD v4.1: 1 of 1,614,034 alleles (0.000062%); highest among the groups gnomAD compares: Middle Eastern, 0.016%; no homozygotes.

Submission:

Color Diagnostics, LLC DBA Color Health
Classification: Uncertain significance for Cardiomyopathy. Last evaluated: 2022-05-10. Review status: criteria provided, single submitter. Criteria: ACMG Guidelines, 2015. Collection method: clinical testing. Allele origin: germline.
Comment: This missense variant replaces serine with cysteine at codon 1441 of the DSP protein. Computational prediction suggests that this variant may not impact protein structure and function (internally defined REVEL score threshold <= 0.5, PMID: 27666373). To our knowledge, functional studies have not been reported for this variant. This variant has not been reported in individuals affected with cardiovascular disorders in the literature. This variant has not been identified in the general population by the Genome Aggregation Database (gnomAD). The available evidence is insufficient to determine the role of this variant in disease conclusively. Therefore, this variant is classified as a Variant of Uncertain Significance.